The following is an entry in ClinVar:

ClinVar aggregate classification (germline): Uncertain significance (1 of 4 stars; one submission).

Conditions:
Hypertrophic cardiomyopathy. Also called: HYPERTROPHIC MYOCARDIOPATHY. Identifiers: Orphanet 217569, MedGen C0007194, MeSH D002312, MONDO:0005045, HP:0001639.

Allele frequency attached by ClinVar (database versions not stated): gnomAD exomes 0.00001; TOPMed 0.00001; ExAC 0.00003.
gnomAD v4.1: 7 of 1,608,990 alleles (0.00044%); highest among the groups gnomAD compares: South Asian, 0.0022%; no homozygotes.

Submission:

Labcorp Genetics (formerly Invitae), Labcorp
Classification: Uncertain significance for Hypertrophic cardiomyopathy. Last evaluated: 2021-01-14. Review status: criteria provided, single submitter. Criteria: Invitae Variant Classification Sherloc (09022015). Collection method: clinical testing. Allele origin: germline.
Comment: This sequence change creates a premature translational stop signal (p.Arg1434*) in the MYOM1 gene. It is expected to result in an absent or disrupted protein product. However, the current clinical and genetic evidence is not sufficient to establish whether loss-of-function variants in MYOM1 cause disease. This variant is present in population databases (rs759049538, ExAC 0.009%). This variant has not been reported in the literature in individuals with MYOM1-related conditions. In summary, the available evidence is currently insufficient to determine the role of this variant in disease. Therefore, it has been classified as a Variant of Uncertain Significance.

NM_003803.4(MYOM1):c.4300C>T (p.Arg1434Ter)

Gene: MYOM1 (myomesin 1; minus strand). Cytogenetic location: 18p11.31.
Variant type: single nucleotide variant.
Coding change: c.4300C>T on transcript NM_003803.4 (MANE Select); coding-DNA position 4300, C replaced by T.
Protein change: p.Arg1434Ter; replaces arginine 1434 with a stop codon.
Molecular consequence: nonsense.
Genome position (GRCh38, 1-based): chr18:3,085,084, G>A on the plus strand (C>T on the coding strand, the complement: MYOM1 is on the minus strand). VCF-style: chr18-3085084-G-A. GRCh37 (hg19) VCF-style: chr18-3085082-G-A.
Other names: c.4012C>T, p.Arg1338Ter (NM_019856.2); short protein forms R1434*, R1338*.
Identifiers: ClinVar variation 1416023 (VCV001416023.6), dbSNP rs759049538, ClinGen allele CA8873986.
Genomic context (GRCh38, chr18:3,085,084, plus strand): 5'-CCCAGCAGTTGGTGGACTGACCTTCATCCACAAGCTTCAGTCTGCTCTTATCTTTTCCTC[G>A]GTCATCTTTCAGGATAACTTCATAAATCCCAGCATCTTTCTTGGAAAACTAAGGGGGAAT-3'